The following is an entry in ClinVar:

NM_000245.4(MET):c.2464A>G (p.Met822Val)

Gene: MET (MET proto-oncogene, receptor tyrosine kinase; plus strand). Cytogenetic location: 7q31.2.
Variant type: single nucleotide variant.
Coding change: c.2464A>G on transcript NM_000245.4 (MANE Select); coding-DNA position 2464, A replaced by G.
Protein change: p.Met822Val; replaces methionine 822 with valine.
Molecular consequence: missense variant.
Genome position (GRCh38, 1-based): chr7:116,763,149, A>G. VCF-style: chr7-116763149-A-G. GRCh37 (hg19) VCF-style: chr7-116403203-A-G.
Other names: c.2518A>G, p.Met840Val (NM_001127500.3); c.2464A>G, p.Met822Val (NM_001324401.3); c.1174A>G, p.Met392Val (NM_001324402.2); short protein forms M392V, M822V, M840V.
Identifiers: ClinVar variation 662263 (VCV000662263.14), dbSNP rs368787826, ClinGen allele CA4448492.

ClinVar aggregate classification (germline): Uncertain significance. Review status: criteria provided, multiple submitters, no conflicts (2 of 4 stars). 2 submissions from 2 submitters: Uncertain significance (2). Last evaluated 2024-05-03.

Conditions:
Renal cell carcinoma. Identifiers: Orphanet 217071, MedGen C0007134, MeSH D002292, MONDO:0005086, HP:0005584.
Hereditary cancer-predisposing syndrome. Also called: Neoplastic Syndromes, Hereditary; Tumor predisposition; Hereditary neoplastic syndrome; Hereditary Cancer Syndrome. Identifiers: Orphanet 140162, MedGen C0027672, MeSH D009386, MONDO:0015356.

Allele frequency attached by ClinVar (database versions not stated): gnomAD exomes below 0.00001 and 0.00001; ExAC 0.00001; ESP Exome Variant Server 0.00008.
gnomAD v4.1: 7 of 1,614,024 alleles (0.00043%); highest among the groups gnomAD compares: Middle Eastern, 0.016%; no homozygotes.

Submissions (2):

Ambry Genetics
Classification: Uncertain significance for Hereditary cancer-predisposing syndrome. Last evaluated: 2024-05-03. Review status: criteria provided, single submitter. Criteria: Ambry Variant Classification Scheme 2023. Collection method: clinical testing. Allele origin: germline.
Comment: The p.M840V variant (also known as c.2518A>G), located in coding exon 10 of the MET gene, results from an A to G substitution at nucleotide position 2518. The methionine at codon 840 is replaced by valine, an amino acid with highly similar properties. This amino acid position is not well conserved in available vertebrate species. In addition, this alteration is predicted to be tolerated by in silico analysis. Based on the available evidence, the clinical significance of this variant remains unclear.

Labcorp Genetics (formerly Invitae), Labcorp
Classification: Uncertain significance for Renal cell carcinoma. Last evaluated: 2023-12-31. Review status: criteria provided, single submitter. Criteria: Invitae Variant Classification Sherloc (09022015). Collection method: clinical testing. Allele origin: germline.
Comment: This sequence change replaces methionine, which is neutral and non-polar, with valine, which is neutral and non-polar, at codon 840 of the MET protein (p.Met840Val). This variant is present in population databases (rs368787826, gnomAD 0.0009%). This variant has not been reported in the literature in individuals affected with MET-related conditions. ClinVar contains an entry for this variant (Variation ID: 662263). Advanced modeling of protein sequence and biophysical properties (such as structural, functional, and spatial information, amino acid conservation, physicochemical variation, residue mobility, and thermodynamic stability) performed at Invitae indicates that this missense variant is not expected to disrupt MET protein function with a negative predictive value of 80%. In summary, the available evidence is currently insufficient to determine the role of this variant in disease. Therefore, it has been classified as a Variant of Uncertain Significance.